The following is an entry in ClinVar:

NM_000498.3(CYP11B2):c.1276C>T (p.Gln426Ter)

Genes: CYP11B2 (cytochrome P450 family 11 subfamily B member 2; minus strand), LOC106799834 (CYP11B2 recombination region; plus strand). Cytogenetic location: 8q24.3.
Variant type: single nucleotide variant.
Coding change: c.1276C>T on transcript NM_000498.3 (MANE Select); coding-DNA position 1276, C replaced by T.
Protein change: p.Gln426Ter; replaces glutamine 426 with a stop codon.
Molecular consequence: nonsense.
Genome position (GRCh38, 1-based): chr8:142,912,652, G>A on the plus strand (C>T on the coding strand, the complement: CYP11B2 is on the minus strand). VCF-style: chr8-142912652-G-A. GRCh37 (hg19) VCF-style: chr8-143994068-G-A.
Other names: short protein forms Q426*.
Identifiers: ClinVar variation 1073733 (VCV001073733.8), dbSNP rs2130324802, ClinGen allele CA372386535.

ClinVar aggregate classification (germline): Pathogenic. Review status: criteria provided, multiple submitters, no conflicts (2 of 4 stars). 2 submissions from 2 submitters: Pathogenic (2). Last evaluated 2023-11-20.

Conditions:
CYP11B2-related disorder.

Submissions (2):

Clinical Biochemistry Laboratory, Health Services Laboratory
Classification: Pathogenic for CYP11B2-related disorder. Last evaluated: 2023-11-20. Review status: criteria provided, single submitter. Criteria: ACMG Guidelines, 2015. Collection method: clinical testing. Allele origin: germline. Affected: yes.
Comment: ACMG:PVS1 PM2 PP3 PP4

Labcorp Genetics (formerly Invitae), Labcorp
Classification: Pathogenic. Last evaluated: 2022-11-28. Review status: criteria provided, single submitter. Criteria: Invitae Variant Classification Sherloc (09022015). Collection method: clinical testing. Allele origin: germline.
Comment: This variant is not present in population databases (gnomAD no frequency). For these reasons, this variant has been classified as Pathogenic. ClinVar contains an entry for this variant (Variation ID: 1073733). This variant has not been reported in the literature in individuals affected with CYP11B2-related conditions. This sequence change creates a premature translational stop signal (p.Gln426*) in the CYP11B2 gene. It is expected to result in an absent or disrupted protein product. Loss-of-function variants in CYP11B2 are known to be pathogenic (PMID: 20494601, 22801770, 26936515).

Literature cited by the submitters: PubMed 20494601 (cited by Labcorp Genetics (formerly Invitae), Labcorp); PubMed 22801770 (cited by Labcorp Genetics (formerly Invitae), Labcorp); PubMed 26936515 (cited by Labcorp Genetics (formerly Invitae), Labcorp).